The following is an entry in ClinVar:

ClinVar aggregate classification (germline): Uncertain significance. Review status: criteria provided, single submitter (1 of 4 stars). 3 submissions from 3 submitters: Uncertain significance (1). 2 of the submissions do not count toward it. Last evaluated 2020-08-17.

Allele frequency attached by ClinVar (database versions not stated): ExAC 0.00003; gnomAD exomes 0.00002; TOPMed 0.00002; gnomAD 0.00004.

Submissions (3):

GeneDx
Classification: Uncertain significance. Last evaluated: 2020-08-17. Review status: criteria provided, single submitter. Criteria: GeneDx Variant Classification Process June 2021. Collection method: clinical testing. Allele origin: germline. Affected: yes.
Comment: Has not been previously published as pathogenic or benign to our knowledge; Initiation codon variant in a gene for which loss-of-function is not a known mechanism of disease

Clinical Genetics DNA and cytogenetics Diagnostics Lab, Erasmus MC, Erasmus Medical Center
Classification: Uncertain significance. Review status: no assertion criteria provided. Collection method: clinical testing. Allele origin: germline. Affected: yes. Study: VKGL Data-share Consensus. Not counted in ClinVar's aggregate classification.

Joint Genome Diagnostic Labs from Nijmegen and Maastricht, Radboudumc and MUMC+
Classification: Uncertain significance. Review status: no assertion criteria provided. Collection method: clinical testing. Allele origin: germline. Affected: yes. Study: VKGL Data-share Consensus. Not counted in ClinVar's aggregate classification.

NM_001110219.3(GJB6):c.1A>G (p.Met1Val)

Gene: GJB6 (gap junction protein beta 6; minus strand). Cytogenetic location: 13q12.11.
Variant type: single nucleotide variant.
Coding change: c.1A>G on transcript NM_001110219.3 (MANE Select); coding-DNA position 1, A replaced by G.
Protein change: p.Met1Val; changes the start codon (methionine 1).
Molecular consequence: missense variant, initiator codon variant.
Genome position (GRCh38, 1-based): chr13:20,223,480, T>C on the plus strand (A>G on the coding strand, the complement: GJB6 is on the minus strand). VCF-style: chr13-20223480-T-C. GRCh37 (hg19) VCF-style: chr13-20797619-T-C.
Other names: c.1A>G, p.Met1Val (NM_001110220.3, NM_001110221.3, NM_001370090.1 and 3 more transcripts); short protein forms M1V.
Identifiers: ClinVar variation 489003 (VCV000489003.7), dbSNP rs776848994, ClinGen allele CA6904530.
Genomic context (GRCh38, chr13:20,223,480, plus strand): 5'-CGATGCTGGTGGAGTGTTTGTTGACACCCCCGATGAAAGTGTGCAGCGTCCCCCAATCCA[T>C]TGCGCTGGTTTATCCCTAAACAGACAAAAGTGGGCAAAGGTTTATTAGTGGAAGAGGCCT-3'
Protein context (NP_001103689.1, residues 1-11): [Met1Val]DWGTLHTFIG